The following is an entry in ClinVar:

NM_001008537.3(NEXMIF):c.136C>T (p.Pro46Ser)

Gene: NEXMIF (neurite extension and migration factor; minus strand). Cytogenetic location: Xq13.3.
Variant type: single nucleotide variant.
Coding change: c.136C>T on transcript NM_001008537.3 (MANE Select); coding-DNA position 136, C replaced by T.
Protein change: p.Pro46Ser; replaces proline 46 with serine.
Molecular consequence: missense variant.
Genome position (GRCh38, 1-based): chrX:74,744,421, G>A on the plus strand (C>T on the coding strand, the complement: NEXMIF is on the minus strand). VCF-style: chrX-74744421-G-A. GRCh37 (hg19) VCF-style: chrX-73964256-G-A.
Other names: short protein forms P46S.
Identifiers: ClinVar variation 940048 (VCV000940048.14), dbSNP rs762483701, ClinGen allele CA413674240.

ClinVar aggregate classification (germline): Conflicting classifications of pathogenicity. Review status: criteria provided, conflicting classifications (1 of 4 stars). 3 submissions from 3 submitters: Uncertain significance (1); Benign (1); Likely benign (1). Last evaluated 2026-02-01.

Allele frequency attached by ClinVar (database versions not stated): TOPMed below 0.00001.
gnomAD v4.1: 3 of 1,208,119 alleles (0.00025%); highest among the groups gnomAD compares: Middle Eastern, 0.023%; no homozygotes.

Submissions (3):

CeGaT Center for Human Genetics Tuebingen
Classification: Uncertain significance. Last evaluated: 2026-02-01. Review status: criteria provided, single submitter. Criteria: CeGaT Center For Human Genetics Tuebingen Variant Classification Criteria Version 2. Collection method: clinical testing. Allele origin: germline. Affected: yes. Observed: 1 variant allele.
Comment: NEXMIF: PM2, BP4

Labcorp Genetics (formerly Invitae), Labcorp
Classification: Benign. Last evaluated: 2025-06-09. Review status: criteria provided, single submitter. Criteria: Invitae Variant Classification Sherloc (09022015). Collection method: clinical testing. Allele origin: germline.

Laboratory of Genetics, Children's Clinical University Hospital Latvia
Classification: Likely benign. Last evaluated: 2025-02-16. Review status: criteria provided, single submitter. Criteria: ACMG Guidelines, 2015. Collection method: clinical testing. Allele origin: germline. Affected: yes.